The following is an entry in ClinVar:

ClinVar aggregate classification (germline): Benign/Likely benign. Review status: criteria provided, multiple submitters, no conflicts (2 of 4 stars). 4 submissions from 4 submitters: Benign (1); Likely benign (2). 1 of the submissions does not count toward it. Last evaluated 2026-04-15.

Conditions:
NLRP3-related disorder. Also called: NLRP3-related condition; NLRP3-Related Disorders.
Cryopyrin associated periodic syndrome (CAPS). Identifiers: Orphanet 208650, MedGen C2316212, MONDO:0016168.

Allele frequency attached by ClinVar (database versions not stated): TOPMed 0.00003; ESP Exome Variant Server 0.00015.
gnomAD v4.1: 101 of 1,614,034 alleles (0.0063%); highest among the groups gnomAD compares: Non-Finnish European, 0.0081%; no homozygotes.

Submissions (4):

Women's Health and Genetics/Laboratory Corporation of America, LabCorp
Classification: Benign. Last evaluated: 2026-04-15. Review status: criteria provided, single submitter. Criteria: LabCorp Variant Classification Summary - May 2015. Collection method: clinical testing. Allele origin: germline.

Labcorp Genetics (formerly Invitae), Labcorp
Classification: Likely benign for Cryopyrin associated periodic syndrome. Last evaluated: 2025-10-20. Review status: criteria provided, single submitter. Criteria: Invitae Variant Classification Sherloc (09022015). Collection method: clinical testing. Allele origin: germline.

Blueprint Genetics
Classification: Likely benign. Last evaluated: 2024-08-20. Review status: criteria provided, single submitter. Criteria: ACMG Guidelines, 2015. Collection method: clinical testing. Allele origin: germline.

PreventionGenetics, part of Exact Sciences
Classification: Likely benign for NLRP3-related condition. Last evaluated: 2019-09-09. Review status: no assertion criteria provided. Collection method: clinical testing. Allele origin: germline. Not counted in ClinVar's aggregate classification.
Comment: This variant is classified as likely benign based on ACMG/AMP sequence variant interpretation guidelines (Richards et al. 2015 PMID: 25741868, with internal and published modifications).

NM_001243133.2(NLRP3):c.1899C>T (p.Tyr633=)

Gene: NLRP3 (NLR family pyrin domain containing 3; plus strand). Cytogenetic location: 1q44.
Variant type: single nucleotide variant.
Coding change: c.1899C>T on transcript NM_001243133.2 (MANE Select); coding-DNA position 1899, C replaced by T.
Protein change: p.Tyr633=; no amino-acid change (tyrosine 633 retained).
Molecular consequence: synonymous variant.
Genome position (GRCh38, 1-based): chr1:247,425,348, C>T. VCF-style: chr1-247425348-C-T. GRCh37 (hg19) VCF-style: chr1-247588650-C-T.
Other names: c.1899C>T, p.Tyr633= (NM_001079821.3, NM_001127461.3, NM_001127462.3 and 1 more transcripts); c.1905C>T, p.Tyr635= (NM_004895.5).
Identifiers: ClinVar variation 762555 (VCV000762555.14), dbSNP rs200089426, ClinGen allele CA1495080.